The following is an entry in ClinVar:

NM_058216.3(RAD51C):c.612T>G (p.Ile204Met)

Genes: RAD51C (RAD51 paralog C; plus strand), LOC129390903 (MPRA-validated peak2919 silencer; plus strand). Cytogenetic location: 17q22.
Variant type: single nucleotide variant.
Coding change: c.612T>G on transcript NM_058216.3 (MANE Select); coding-DNA position 612, T replaced by G.
Protein change: p.Ile204Met; replaces isoleucine 204 with methionine.
Molecular consequence: missense variant. On other transcripts: non-coding transcript variant (1).
Genome position (GRCh38, 1-based): chr17:58,703,236, T>G. VCF-style: chr17-58703236-T-G. GRCh37 (hg19) VCF-style: chr17-56780597-T-G.
Other names: short protein forms I204M.
Identifiers: ClinVar variation 3393553 (VCV003393553.3).
Genomic context (GRCh38, chr17:58,703,236, plus strand): 5'-AGAGTGTTTTGTTGTTTCAGAACACCGAAAAGCTTTGGAGGATTTCACTCTTGATAATAT[T>G]CTTTCTCATATTTATTATTTTCGCTGTCGTGACTACACAGAGTTACTGGCACAAGTTTAT-3'
Protein context (NP_478123.1, residues 194-214): KALEDFTLDN[Ile204Met]LSHIYYFRCR

ClinVar aggregate classification (germline): Conflicting classifications of pathogenicity. Review status: criteria provided, conflicting classifications (1 of 4 stars). 3 submissions from 3 submitters: Uncertain significance (2); Likely benign (1). Last evaluated 2025-10-17.

Conditions:
Hereditary cancer-predisposing syndrome. Also called: Hereditary Cancer Syndrome; Tumor predisposition; Hereditary neoplastic syndrome; Neoplastic Syndromes, Hereditary. Identifiers: Orphanet 140162, MedGen C0027672, MeSH D009386, MONDO:0015356.

Submissions (3):

Ambry Genetics
Classification: Likely benign for Hereditary cancer-predisposing syndrome. Last evaluated: 2025-10-17. Review status: criteria provided, single submitter. Criteria: Ambry Variant Classification Scheme 2023. Collection method: clinical testing. Allele origin: germline.

Color Diagnostics, LLC DBA Color Health
Classification: Uncertain significance for Hereditary cancer-predisposing syndrome. Last evaluated: 2025-08-07. Review status: criteria provided, single submitter. Criteria: ACMG Guidelines, 2015. Collection method: clinical testing. Allele origin: germline.
Comment: This missense variant replaces isoleucine with methionine at codon 204 of the RAD51C protein. Computational prediction suggests that this variant may not impact protein structure and function. To our knowledge, functional studies have not been reported for this variant. This variant has not been reported in individuals affected with RAD51C-related disorders in the literature. This variant has not been identified in the general population by the Genome Aggregation Database (gnomAD). The available evidence is insufficient to determine the role of this variant in disease conclusively. Therefore, this variant is classified as a Variant of Uncertain Significance.

GeneDx
Classification: Uncertain significance. Last evaluated: 2024-07-03. Review status: criteria provided, single submitter. Criteria: GeneDx Variant Classification Process June 2021. Collection method: clinical testing. Allele origin: germline. Affected: yes.
Comment: Not observed at significant frequency in large population cohorts (gnomAD); In silico analysis indicates that this missense variant does not alter protein structure/function; Has not been previously published as pathogenic or benign to our knowledge; This variant is associated with the following publications: (PMID: 14704354)